The following is an entry in ClinVar:

ClinVar aggregate classification (germline): Pathogenic (1 of 4 stars; one submission).

Conditions:
Familial focal epilepsy with variable foci (FPEVF). Identifiers: Orphanet 98820, MedGen C1858477, MONDO:0020310.

Submission:

Labcorp Genetics (formerly Invitae), Labcorp
Classification: Pathogenic for Familial focal epilepsy with variable foci. Last evaluated: 2022-06-30. Review status: criteria provided, single submitter. Criteria: Invitae Variant Classification Sherloc (09022015). Collection method: clinical testing. Allele origin: germline.
Comment: This sequence change creates a premature translational stop signal (p.Glu371*) in the DEPDC5 gene. It is expected to result in an absent or disrupted protein product. Loss-of-function variants in DEPDC5 are known to be pathogenic (PMID: 23542697, 23542701). For these reasons, this variant has been classified as Pathogenic. This variant has not been reported in the literature in individuals affected with DEPDC5-related conditions. This variant is not present in population databases (gnomAD no frequency).

Literature cited by the submitters: PubMed 23542697; PubMed 23542701.

NM_001242896.3(DEPDC5):c.1111G>T (p.Glu371Ter)

Gene: DEPDC5 (DEP domain containing 5, GATOR1 subcomplex subunit; plus strand). Cytogenetic location: 22q12.3.
Variant type: single nucleotide variant.
Coding change: c.1111G>T on transcript NM_001242896.3 (MANE Select); coding-DNA position 1111, G replaced by T.
Protein change: p.Glu371Ter; replaces glutamic acid 371 with a stop codon.
Molecular consequence: nonsense. On other transcripts: non-coding transcript variant (5).
Genome position (GRCh38, 1-based): chr22:31,804,191, G>T. VCF-style: chr22-31804191-G-T. GRCh37 (hg19) VCF-style: chr22-32200177-G-T.
Other names: c.1111G>T, p.Glu371Ter (NM_001007188.4, NM_001136029.4, NM_001242897.2 and 7 more transcripts); c.1027G>T, p.Glu343Ter (NM_001369901.1, NM_001369902.1); short protein forms E343*, E371*.
Identifiers: ClinVar variation 2112215 (VCV002112215.4), dbSNP rs2518914339, ClinGen allele CA411293421.